The following is an entry in ClinVar:

NM_001243133.2(NLRP3):c.2740C>T (p.His914Tyr)

Gene: NLRP3 (NLR family pyrin domain containing 3; plus strand). Cytogenetic location: 1q44.
Variant type: single nucleotide variant.
Coding change: c.2740C>T on transcript NM_001243133.2 (MANE Select); coding-DNA position 2740, C replaced by T.
Protein change: p.His914Tyr; replaces histidine 914 with tyrosine.
Molecular consequence: missense variant.
Genome position (GRCh38, 1-based): chr1:247,444,048, C>T. VCF-style: chr1-247444048-C-T. GRCh37 (hg19) VCF-style: chr1-247607350-C-T.
Other names: c.2740C>T, p.His914Tyr (NM_001079821.3); c.2569C>T, p.His857Tyr (NM_001127461.3, NM_001127462.3); c.2746C>T, p.His916Tyr (NM_004895.5); c.2398C>T, p.His800Tyr (NM_183395.3); short protein forms H800Y, H857Y, H914Y, H916Y.
Identifiers: ClinVar variation 3253532 (VCV003253532.1), dbSNP rs2527468394.
Genomic context (GRCh38, chr1:247,444,048, plus strand): 5'-CTTACGTCAGTCTGTTGTTCAGCTTTGTCCTCGGTACTCAGCACTAATCAGAATCTCACG[C>T]ACCTTTACCTGCGAGGCAACACTCTCGGAGACAAGGGGATCAAACTACTCTGTGAGGGAC-3'
Protein context (NP_001230062.1, residues 904-924): SVLSTNQNLT[His914Tyr]LYLRGNTLGD

ClinVar aggregate classification (germline): Uncertain significance (1 of 4 stars; one submission).

Allele frequency attached by ClinVar (database versions not stated): gnomAD exomes below 0.00001.
gnomAD v4.1: 1 of 1,614,190 alleles (0.000062%); highest among the groups gnomAD compares: Non-Finnish European, 0.000085%; no homozygotes.

Submission:

GeneDx
Classification: Uncertain significance. Last evaluated: 2023-06-05. Review status: criteria provided, single submitter. Criteria: GeneDx Variant Classification Process June 2021. Collection method: clinical testing. Allele origin: germline. Affected: yes.
Comment: Not observed at significant frequency in large population cohorts (gnomAD); In silico analysis supports that this missense variant has a deleterious effect on protein structure/function; Has not been previously published as pathogenic or benign to our knowledge